The following is an entry in ClinVar:

NM_198253.3(TERT):c.-4C>G

Genes: TERT (telomerase reverse transcriptase; minus strand), LOC110806263 (TERT 5' regulatory region; plus strand). Cytogenetic location: 5p15.33.
Variant type: single nucleotide variant.
Coding change: c.-4C>G on transcript NM_198253.3 (MANE Select); 4 bases upstream of the start codon, C replaced by G.
Molecular consequence: 5 prime UTR variant. On other transcripts: non-coding transcript variant (2).
Genome position (GRCh38, 1-based): chr5:1,294,993, G>C on the plus strand (C>G on the coding strand, the complement: TERT is on the minus strand). VCF-style: chr5-1294993-G-C. GRCh37 (hg19) VCF-style: chr5-1295108-G-C.
Other names: c.-4C>G (NM_001193376.3).
Identifiers: ClinVar variation 4561116 (VCV004561116.1).
Genomic context (GRCh38, chr5:1,294,993, plus strand): 5'-GCGGTAGTGGCTGCGCAGCAGGGAGCGCACGGCTCGGCAGCGGGGAGCGCGCGGCATCGC[G>C]GGGGTGGCCGGGGCCAGGGCTTCCCACGTGCGCAGCAGGACGCAGCGCTGCCTGAAACTC-3'

ClinVar aggregate classification (germline): Uncertain significance (1 of 4 stars; one submission).

Conditions:
Dyskeratosis congenita. Identifiers: Orphanet 1775, MedGen C0265965, MONDO:0015780.

gnomAD v4.1: 8 of 1,314,860 alleles (0.00061%); highest among the groups gnomAD compares: Non-Finnish European, 0.00058%; no homozygotes.

Submission:

Ambry Genetics
Classification: Uncertain significance for Dyskeratosis congenita. Last evaluated: 2025-10-29. Review status: criteria provided, single submitter. Criteria: Ambry Variant Classification Scheme 2023. Collection method: clinical testing. Allele origin: germline.
Comment: The c.-4C>G variant is located in the 5' untranslated region (5&rsquo; UTR) of the TERT gene. This variant results from a C to G substitution 4 bases upstream from the first translated codon. This nucleotide position is not well conserved in available vertebrate species. Based on the available evidence, the clinical significance of this variant remains unclear.